The following is an entry in ClinVar:

ClinVar aggregate classification (germline): Uncertain significance. Review status: criteria provided, multiple submitters, no conflicts (2 of 4 stars). 2 submissions from 2 submitters: Uncertain significance (2). Last evaluated 2025-11-03.

Conditions:
Inborn genetic diseases. Identifiers: MedGen C0950123, MeSH D030342.
PIEZO1-related disorder. Also called: PIEZO1-related condition; PIEZO1-Related Disorders.

gnomAD v4.1: 14 of 1,549,580 alleles (0.0009%); highest among the groups gnomAD compares: Admixed American, 0.018%; no homozygotes.

Submissions (2):

Ambry Genetics
Classification: Uncertain significance for Inborn genetic diseases. Last evaluated: 2025-11-03. Review status: criteria provided, single submitter. Criteria: Ambry Variant Classification Scheme 2023. Collection method: clinical testing. Allele origin: germline.

PreventionGenetics, part of Exact Sciences
Classification: Uncertain significance for PIEZO1-related condition. Last evaluated: 2025-03-20. Review status: criteria provided, single submitter. Criteria: ACMG Guidelines, 2015. Collection method: clinical testing. Allele origin: germline.
Comment: The PIEZO1 c.2395C>G variant is predicted to result in the amino acid substitution p.Leu799Val. To our knowledge, this variant has not been reported in the literature. This variant is reported in 0.025% of alleles in individuals of Latino descent in gnomAD. At this time, the clinical significance of this variant is uncertain due to the absence of conclusive functional and genetic evidence.

NM_001142864.4(PIEZO1):c.2395C>G (p.Leu799Val)

Genes: HSALR1 (HSP90AB1 associated lncRNA 1; plus strand), PIEZO1 (piezo type mechanosensitive ion channel component 1 (Er blood group); minus strand). Cytogenetic location: 16q24.3.
Variant type: single nucleotide variant.
Coding change: c.2395C>G on transcript NM_001142864.4 (MANE Select); coding-DNA position 2395, C replaced by G.
Protein change: p.Leu799Val; replaces leucine 799 with valine.
Molecular consequence: missense variant.
Genome position (GRCh38, 1-based): chr16:88,733,680, G>C on the plus strand (C>G on the coding strand, the complement: PIEZO1 is on the minus strand). VCF-style: chr16-88733680-G-C. GRCh37 (hg19) VCF-style: chr16-88800088-G-C.
Other names: c.2395C>G (NM_001142864.3); short protein forms L799V.
Identifiers: ClinVar variation 4627501 (VCV004627501.2).